The following is an entry in ClinVar:

NM_020433.5(JPH2):c.1487G>A (p.Arg496Gln)

Gene: JPH2 (junctophilin 2; minus strand). Cytogenetic location: 20q13.12.
Variant type: single nucleotide variant.
Coding change: c.1487G>A on transcript NM_020433.5 (MANE Select); coding-DNA position 1487, G replaced by A.
Protein change: p.Arg496Gln; replaces arginine 496 with glutamine.
Molecular consequence: missense variant.
Genome position (GRCh38, 1-based): chr20:44,116,188, C>T on the plus strand (G>A on the coding strand, the complement: JPH2 is on the minus strand). VCF-style: chr20-44116188-C-T. GRCh37 (hg19) VCF-style: chr20-42744828-C-T.
Other names: c.1487G>A (NM_020433.4); short protein forms R496Q.
Identifiers: ClinVar variation 1495321 (VCV001495321.9), dbSNP rs1404072085, ClinGen allele CA409100528.

ClinVar aggregate classification (germline): Uncertain significance. Review status: criteria provided, multiple submitters, no conflicts (2 of 4 stars). 4 submissions from 4 submitters: Uncertain significance (4). Last evaluated 2025-08-29.

Conditions:
JPH2-related disorder. Also called: JPH2-related condition.
Cardiovascular phenotype. Identifiers: MedGen CN230736.
Hypertrophic cardiomyopathy. Also called: HYPERTROPHIC MYOCARDIOPATHY. Identifiers: Orphanet 217569, MedGen C0007194, MeSH D002312, MONDO:0005045, HP:0001639.

Allele frequency attached by ClinVar (database versions not stated): gnomAD exomes 0.00001.
gnomAD v4.1: 14 of 1,391,150 alleles (0.001%); highest among the groups gnomAD compares: East Asian, 0.0029%; no homozygotes.

Submissions (4):

PreventionGenetics, part of Exact Sciences
Classification: Uncertain significance for JPH2-related condition. Last evaluated: 2025-08-29. Review status: criteria provided, single submitter. Criteria: ACMG Guidelines, 2015. Collection method: clinical testing. Allele origin: germline.
Comment: The JPH2 c.1487G>A variant is predicted to result in the amino acid substitution p.Arg496Gln. To our knowledge, this variant has not been reported in the literature. This variant is reported in 0.0029% of alleles in individuals of East Asian descent in gnomAD. At this time, the clinical significance of this variant is uncertain due to the absence of conclusive functional and genetic evidence.

Labcorp Genetics (formerly Invitae), Labcorp
Classification: Uncertain significance for Hypertrophic cardiomyopathy. Last evaluated: 2024-07-19. Review status: criteria provided, single submitter. Criteria: Invitae Variant Classification Sherloc (09022015). Collection method: clinical testing. Allele origin: germline.
Comment: This sequence change replaces arginine, which is basic and polar, with glutamine, which is neutral and polar, at codon 496 of the JPH2 protein (p.Arg496Gln). This variant is not present in population databases (gnomAD no frequency). This variant has not been reported in the literature in individuals affected with JPH2-related conditions. ClinVar contains an entry for this variant (Variation ID: 1495321). An algorithm developed to predict the effect of missense changes on protein structure and function (PolyPhen-2) suggests that this variant is likely to be tolerated. In summary, the available evidence is currently insufficient to determine the role of this variant in disease. Therefore, it has been classified as a Variant of Uncertain Significance.

Ambry Genetics
Classification: Uncertain significance for Cardiovascular phenotype. Last evaluated: 2023-08-24. Review status: criteria provided, single submitter. Criteria: Ambry Variant Classification Scheme 2023. Collection method: clinical testing. Allele origin: germline.
Comment: The p.R496Q variant (also known as c.1487G>A), located in coding exon 4 of the JPH2 gene, results from a G to A substitution at nucleotide position 1487. The arginine at codon 496 is replaced by glutamine, an amino acid with highly similar properties. This amino acid position is well conserved in available vertebrate species. In addition, this alteration is predicted to be tolerated by in silico analysis. Since supporting evidence is limited at this time, the clinical significance of this alteration remains unclear.

GeneDx
Classification: Uncertain significance. Last evaluated: 2023-01-25. Review status: criteria provided, single submitter. Criteria: GeneDx Variant Classification Process June 2021. Collection method: clinical testing. Allele origin: germline. Affected: yes.
Comment: Has not been previously published as pathogenic or benign to our knowledge; Not observed at significant frequency in large population cohorts (gnomAD); In silico analysis supports that this missense variant does not alter protein structure/function